The following is an entry in ClinVar:

NM_020166.5(MCCC1):c.622C>T (p.Arg208Trp)

Gene: MCCC1 (methylcrotonyl-CoA carboxylase subunit 1; minus strand). Cytogenetic location: 3q27.1.
Variant type: single nucleotide variant.
Coding change: c.622C>T on transcript NM_020166.5 (MANE Select); coding-DNA position 622, C replaced by T.
Protein change: p.Arg208Trp; replaces arginine 208 with tryptophan.
Molecular consequence: missense variant. On other transcripts: non-coding transcript variant (2).
Genome position (GRCh38, 1-based): chr3:183,071,227, G>A on the plus strand (C>T on the coding strand, the complement: MCCC1 is on the minus strand). VCF-style: chr3-183071227-G-A. GRCh37 (hg19) VCF-style: chr3-182789015-G-A.
Other names: c.271C>T, p.Arg91Trp (NM_001293273.2); c.295C>T, p.Arg99Trp (NM_001363880.1); short protein forms R99W, R208W, R91W.
Identifiers: ClinVar variation 2148076 (VCV002148076.3), dbSNP rs759345755, ClinGen allele CA2719029.
Genomic context (GRCh38, chr3:183,071,227, plus strand): 5'-AAGACAAGCCTGAATTGGCAAACACAAGCATGCACAATCTTACTTTTCCTCCTCCACCCC[G>A]GACGGCTTTAATCATGACAGGATAGCCAATTCTCCTGGCGTGTTCCTTCAGGCACTGGTC-3'
Protein context (NP_064551.3, residues 198-218): IGYPVMIKAV[Arg208Trp]GGGGKGMRIV

ClinVar aggregate classification (germline): Uncertain significance (1 of 4 stars; one submission).

Conditions:
3-methylcrotonyl-CoA carboxylase 1 deficiency (MCC1D). Also called: MCCD TYPE 1; METHYLCROTONYLGLYCINURIA TYPE I; MCC 1 deficiency; 3 Alpha methylcrotonylglycinuria 1. Identifiers: Orphanet 6, MedGen CN028786, MONDO:0008861, OMIM 210200.

Allele frequency attached by ClinVar (database versions not stated): TOPMed 0.00003; gnomAD 0.00004; ExAC 0.00002.
gnomAD v4.1: 17 of 1,614,010 alleles (0.0011%); highest among the groups gnomAD compares: East Asian, 0.0067%; no homozygotes.

Submission:

Labcorp Genetics (formerly Invitae), Labcorp
Classification: Uncertain significance for 3-methylcrotonyl-CoA carboxylase 1 deficiency. Last evaluated: 2024-10-16. Review status: criteria provided, single submitter. Criteria: Invitae Variant Classification Sherloc (09022015). Collection method: clinical testing. Allele origin: germline.
Comment: This sequence change replaces arginine, which is basic and polar, with tryptophan, which is neutral and slightly polar, at codon 208 of the MCCC1 protein (p.Arg208Trp). This variant is present in population databases (rs759345755, gnomAD 0.01%). This variant has not been reported in the literature in individuals affected with MCCC1-related conditions. ClinVar contains an entry for this variant (Variation ID: 2148076). Invitae Evidence Modeling of protein sequence and biophysical properties (such as structural, functional, and spatial information, amino acid conservation, physicochemical variation, residue mobility, and thermodynamic stability) has been performed for this missense variant. However, the output from this modeling did not meet the statistical confidence thresholds required to predict the impact of this variant on MCCC1 protein function. In summary, the available evidence is currently insufficient to determine the role of this variant in disease. Therefore, it has been classified as a Variant of Uncertain Significance.